The following is an entry in ClinVar:

NM_001673.5(ASNS):c.17C>A (p.Ala6Glu)

Genes: ASNS (asparagine synthetase (glutamine-hydrolyzing); minus strand), CZ1P-ASNS (CZ1P-ASNS readthrough; minus strand). Cytogenetic location: 7q21.3.
Variant type: single nucleotide variant.
Coding change: c.17C>A on transcript NM_001673.5 (MANE Select); coding-DNA position 17, C replaced by A.
Protein change: p.Ala6Glu; replaces alanine 6 with glutamic acid.
Molecular consequence: missense variant. On other transcripts: non-coding transcript variant (1), intron variant (3).
Genome position (GRCh38, 1-based): chr7:97,869,140, G>T on the plus strand (C>A on the coding strand, the complement: ASNS is on the minus strand). VCF-style: chr7-97869140-G-T. GRCh37 (hg19) VCF-style: chr7-97498452-G-T.
Other names: c.17C>A, p.Ala6Glu (NM_001352496.2, NM_183356.4, NM_133436.3); c.-1+3211C>A (NM_001178076.2); c.-12-35C>A (NM_001178075.2); c.-1+2901C>A (NM_001178077.1); short protein forms A6E.
Identifiers: ClinVar variation 91842 (VCV000091842.13), dbSNP rs398122975, ClinGen allele CA145469.

ClinVar aggregate classification (germline): Pathogenic/Likely pathogenic. Review status: criteria provided, multiple submitters, no conflicts (2 of 4 stars). 5 submissions from 5 submitters: Pathogenic (1); Likely pathogenic (3). 1 of the submissions does not count toward it. Last evaluated 2025-09-08.

Conditions:
Congenital microcephaly - severe encephalopathy - progressive cerebral atrophy syndrome. Also called: Asparagine synthetase deficiency; ASNS DEFICIENCY. Identifiers: Orphanet 391376, MedGen C3809971, MONDO:0014258, OMIM 615574.

gnomAD v4.1: 9 of 1,613,910 alleles (0.00056%); highest among the groups gnomAD compares: Non-Finnish European, 0.00076%; no homozygotes.

Submissions (5):

Natera, Inc.
Classification: Likely pathogenic for Asparagine synthetase deficiency. Last evaluated: 2025-09-08. Review status: criteria provided, single submitter. Criteria: Natera Variant Classification Schema (03/2026). Collection method: clinical testing. Allele origin: germline.
Comment: The c.17C>A variant in ASNS is a missense variant predicted to cause substitution of alanine to glutamic acid at amino acid 6. This variant is rare in the general population with a frequency below the threshold expected for the associated phenotype(s). This variant has been observed in one or more individuals affected with the associated recessive disease, as either homozygous or compound heterozygous with a second variant (PMID: 24139043). Additionally, this variant has been observed to segregate in affected family members (PMID: 24139043). Computational prediction algorithms indicate this variant is likely to affect gene or protein function. Given the available evidence, this variant is classified as Likely Pathogenic.

Myriad Genetics, Inc.
Classification: Likely pathogenic for Congenital microcephaly - severe encephalopathy - progressive cerebral atrophy syndrome. Last evaluated: 2025-08-15. Review status: criteria provided, single submitter. Criteria: Myriad Autosomal Dominant, Autosomal Recessive and X-Linked Classification Criteria (2023). Collection method: clinical testing. Allele origin: unknown.
Comment: NM_001673.4(ASNS):c.17C>A(A6E) is a missense variant classified as likely pathogenic in the context of asparagine synthetase deficiency. A6E has been observed in a case with relevant disease (PMID: 24139043). Relevant functional assessments of this variant are not available in the literature. Internal structural analysis of the variant is supportive of pathogenicity. A6E has been observed in referenced population frequency databases. In summary, NM_001673.4(ASNS):c.17C>A(A6E) is a missense variant that has internal structural support for pathogenicity and has been observed more frequently in cases with the relevant disease than in healthy populations. Please note: this variant was assessed in the context of healthy population screening.

Labcorp Genetics (formerly Invitae), Labcorp
Classification: Pathogenic. Last evaluated: 2024-02-02. Review status: criteria provided, single submitter. Criteria: Invitae Variant Classification Sherloc (09022015). Collection method: clinical testing. Allele origin: germline.
Comment: This sequence change replaces alanine, which is neutral and non-polar, with glutamic acid, which is acidic and polar, at codon 6 of the ASNS protein (p.Ala6Glu). The frequency data for this variant in the population databases is considered unreliable, as metrics indicate poor data quality at this position in the gnomAD database. This missense change has been observed in individual(s) with asparagine synthetase deficiency (PMID: 24139043). In at least one individual the data is consistent with being in trans (on the opposite chromosome) from a pathogenic variant. It has also been observed to segregate with disease in related individuals. ClinVar contains an entry for this variant (Variation ID: 91842). Advanced modeling of protein sequence and biophysical properties (such as structural, functional, and spatial information, amino acid conservation, physicochemical variation, residue mobility, and thermodynamic stability) performed at Invitae indicates that this missense variant is expected to disrupt ASNS protein function with a positive predictive value of 80%. Experimental studies have shown that this missense change affects ASNS function (PMID: 24139043). For these reasons, this variant has been classified as Pathogenic.

GeneDx
Classification: Likely pathogenic. Last evaluated: 2016-06-01. Review status: criteria provided, single submitter. Criteria: GeneDx Variant Classification (06012015). Collection method: clinical testing. Allele origin: germline. Affected: yes.
Comment: The A6E variant in the ASNS gene was reported previously in a French Canadian family in the compound heterozygous state with the R550C variant in three siblings with progressive microcephaly, infantile epilepsy, profound developmental delay, axial hypotonia, and an abnormal brain MRI (Ruzzo et al., 2013). The A6E variant was not observed in approximately 6500 individuals of European and African American ancestry in the NHLBI Exome Sequencing Project, indicating it is not a common benign variant in these populations. The A6E variant is a non-conservative amino acid substitution, which occurs at a position that is conserved across species, and in silico analysis predicts this variant is probably damaging to the protein structure/function. The A6E variant was reported to impair ASNS gene function by reducing protein expression in HEK and COS cells (Ruzzo et al., 2013). The A6E variant is a strong candidate for a pathogenic variant, however the possibility it may be a rare benign variant cannot be excluded.

OMIM
Classification: Pathogenic for ASPARAGINE SYNTHETASE DEFICIENCY. Last evaluated: 2013-10-16. Review status: no assertion criteria provided. Collection method: literature only. Allele origin: germline. Not counted in ClinVar's aggregate classification.

Literature cited by the submitters: PubMed 24139043 (cited by 4 submitters).